The following is an entry in ClinVar:

NM_000540.3(RYR1):c.13368C>T (p.Asp4456=)

Gene: RYR1 (ryanodine receptor 1; plus strand). Cytogenetic location: 19q13.2.
Variant type: single nucleotide variant.
Coding change: c.13368C>T on transcript NM_000540.3 (MANE Select); coding-DNA position 13368, C replaced by T.
Protein change: p.Asp4456=; no amino-acid change (aspartic acid 4456 retained).
Molecular consequence: synonymous variant.
Genome position (GRCh38, 1-based): chr19:38,565,702, C>T. VCF-style: chr19-38565702-C-T. GRCh37 (hg19) VCF-style: chr19-39056342-C-T.
Other names: c.13353C>T, p.Asp4451= (NM_001042723.2).
Identifiers: ClinVar variation 3073529 (VCV003073529.1), dbSNP rs768270824, ClinGen allele CA059756.

ClinVar aggregate classification (germline): Likely benign (1 of 4 stars; one submission).

Conditions:
Malignant hyperthermia, susceptibility to, 1 (MHS1). Also called: Anesthesia related hyperthermia; Malignant hyperpyrexia; Fulminating hyperpyrexia; Pharmacogenic myopathy; RYR1-Related Malignant Hyperthermia Susceptibility; Malignant hyperthermia suceptibility 1. Identifiers: Orphanet 423, MedGen C2930980, MONDO:0007783, OMIM 145600.

Allele frequency attached by ClinVar (database versions not stated): ExAC 0.00121.
gnomAD v4.1: 2 of 1,421,778 alleles (0.00014%); highest among the groups gnomAD compares: South Asian, 0.0015%; no homozygotes.

Submission:

All of Us Research Program, National Institutes of Health
Classification: Likely benign for Malignant hyperthermia, susceptibility to, 1. Last evaluated: 2023-10-02. Review status: criteria provided, single submitter. Criteria: ACMG Guidelines, 2015. Collection method: clinical testing. Allele origin: germline. Inheritance: Autosomal dominant inheritance. Observed: 1 variant allele, 1 heterozygote.
Comment: This study involves interpretation of variants in research participants for the purpose of population health screening. Participant phenotype was not available at the time of variant classification. Additional details can be found in publication PMID: 35346344, PMCID: PMC8962531